The following is an entry in ClinVar:

ClinVar aggregate classification (germline): Likely pathogenic. Review status: criteria provided, single submitter (1 of 4 stars). 2 submissions from 2 submitters: Likely pathogenic (1). 1 of the submissions does not count toward it. Last evaluated 2022-11-25.

Conditions:
Thrombocythemia 1 (THCYT1). Also called: THROMBOCYTHEMIA, SOMATIC; THROMBOCYTOSIS 1. Identifiers: MedGen C3277671, MONDO:0008554, OMIM 187950.

Submissions (2):

GeneDx
Classification: Likely pathogenic. Last evaluated: 2022-11-25. Review status: criteria provided, single submitter. Criteria: GeneDx Variant Classification Process June 2021. Collection method: clinical testing. Allele origin: germline. Affected: yes.
Comment: Published functional studies demonstrate increased expression of biologically active TPO, consistent with gain of function (Ghilardi et al., 1999); Not observed at significant frequency in large population cohorts (gnomAD); This variant is associated with the following publications: (PMID: 7772529, 19553636, 10583217)

OMIM
Classification: Pathogenic for THROMBOCYTHEMIA 1. Last evaluated: 2009-08-20. Review status: no assertion criteria provided. Collection method: literature only. Allele origin: germline. Not counted in ClinVar's aggregate classification.

Literature cited by the submitters: PubMed 7772529 (cited by OMIM); PubMed 10583217 (cited by OMIM); PubMed 19553636 (cited by OMIM).

NM_000460.4(THPO):c.-31G>T

Gene: THPO (thrombopoietin; minus strand). Cytogenetic location: 3q27.1.
Variant type: single nucleotide variant.
Coding change: c.-31G>T on transcript NM_000460.4 (MANE Select); 31 bases upstream of the start codon, G replaced by T.
Molecular consequence: 5 prime UTR variant. On other transcripts: missense variant (1).
Genome position (GRCh38, 1-based): chr3:184,376,290, C>A on the plus strand (G>T on the coding strand, the complement: THPO is on the minus strand). VCF-style: chr3-184376290-C-A. GRCh37 (hg19) VCF-style: chr3-184094078-C-A.
Other names: 516G-T; c.-31G>T (NM_001177597.2, NM_001177598.2, NM_001289997.1 and 5 more transcripts); c.390G>T, p.Arg130Ser (NM_001290003.1); short protein forms R130S.
Identifiers: ClinVar variation 9510 (VCV000009510.4), dbSNP rs771269271, ClinGen allele CA2520978214.
Genomic context (GRCh38, chr3:184,376,290, plus strand): 5'-CTCAGGTGTGTTCTCACCAGTCAGCTCCATTCTGGCCGGGGTGTCTGGCTGGCGTGGCTC[C>A]CTGTTTGGGGCCTCTCCCCTGAATCCTTCCTGGGGCCATGGAGGCGGCTTAGGCTCTTGC-3'